The following is an entry in ClinVar:

NM_001041.4(SI):c.766A>G (p.Lys256Glu)

Gene: SI (sucrase-isomaltase; minus strand). Cytogenetic location: 3q26.1.
Variant type: single nucleotide variant.
Coding change: c.766A>G on transcript NM_001041.4 (MANE Select); coding-DNA position 766, A replaced by G.
Protein change: p.Lys256Glu; replaces lysine 256 with glutamic acid.
Molecular consequence: missense variant.
Genome position (GRCh38, 1-based): chr3:165,065,302, T>C on the plus strand (A>G on the coding strand, the complement: SI is on the minus strand). VCF-style: chr3-165065302-T-C. GRCh37 (hg19) VCF-style: chr3-164783090-T-C.
Other names: short protein forms K256E.
Identifiers: ClinVar variation 1432509 (VCV001432509.8), dbSNP rs1714182006, ClinGen allele CA355032663.
Genomic context (GRCh38, chr3:165,065,302, plus strand): 5'-AAGAAAAATAATTTCTTACATCACCAGGAAGTTGGTCTCGAGTAAAAATTGGCCATGTTT[T>C]CCAGGATAAATCATGACGAAATCTCTTATGAACTTGTTCTCCAATACCATAAATATAATC-3'
Protein context (NP_001032.2, residues 246-266): HKRFRHDLSW[Lys256Glu]TWPIFTRDQL

ClinVar aggregate classification (germline): Uncertain significance (1 of 4 stars; one submission).

Submission:

Labcorp Genetics (formerly Invitae), Labcorp
Classification: Uncertain significance. Last evaluated: 2021-05-21. Review status: criteria provided, single submitter. Criteria: Invitae Variant Classification Sherloc (09022015). Collection method: clinical testing. Allele origin: germline.
Comment: In summary, the available evidence is currently insufficient to determine the role of this variant in disease. Therefore, it has been classified as a Variant of Uncertain Significance. Advanced modeling of protein sequence and biophysical properties (such as structural, functional, and spatial information, amino acid conservation, physicochemical variation, residue mobility, and thermodynamic stability) performed at Invitae indicates that this missense variant is expected to disrupt SI protein function. This variant has not been reported in the literature in individuals with SI-related conditions. This variant is not present in population databases (ExAC no frequency). This sequence change replaces lysine with glutamic acid at codon 256 of the SI protein (p.Lys256Glu). The lysine residue is moderately conserved and there is a small physicochemical difference between lysine and glutamic acid.